The following is an entry in ClinVar:

NM_001199397.3(NEK1):c.3302G>A (p.Arg1101His)

Gene: NEK1 (NIMA related kinase 1; minus strand). Cytogenetic location: 4q33.
Variant type: single nucleotide variant.
Coding change: c.3302G>A on transcript NM_001199397.3 (MANE Select); coding-DNA position 3302, G replaced by A.
Protein change: p.Arg1101His; replaces arginine 1101 with histidine.
Molecular consequence: missense variant. On other transcripts: non-coding transcript variant (1).
Genome position (GRCh38, 1-based): chr4:169,406,668, C>T on the plus strand (G>A on the coding strand, the complement: NEK1 is on the minus strand). VCF-style: chr4-169406668-C-T. GRCh37 (hg19) VCF-style: chr4-170327819-C-T.
Other names: c.3170G>A, p.Arg1057His (NM_001199398.3); c.3011G>A, p.Arg1004His (NM_001199399.3); c.3086G>A, p.Arg1029His (NM_001199400.3); c.3302G>A, p.Arg1101His (NM_001374418.1); c.3218G>A, p.Arg1073His (NM_001374419.1, NM_012224.4); c.3167G>A, p.Arg1056His (NM_001374420.1); c.2819G>A, p.Arg940His (NM_001374421.1); short protein forms R1004H, R1073H, R940H, R1056H, R1057H, R1029H, R1101H.
Identifiers: ClinVar variation 1967453 (VCV001967453.5), dbSNP rs774285113, ClinGen allele CA3137182.

ClinVar aggregate classification (germline): Uncertain significance (1 of 4 stars; one submission).

Conditions:
Short-rib thoracic dysplasia 6 with or without polydactyly (SRTD6). Also called: Majewski Syndrome; POLYDACTYLY WITH NEONATAL CHONDRODYSTROPHY, TYPE II; SHORT RIB-POLYDACTYLY SYNDROME, TYPE IIA; SHORT-RIB THORACIC DYSPLASIA 6 WITH POLYDACTYLY; SHORT-RIB THORACIC DYSPLASIA 6 WITHOUT POLYDACTYLY. Identifiers: MedGen C0024507, MONDO:0009894, OMIM 263520.

Allele frequency attached by ClinVar (database versions not stated): gnomAD 0.00001; gnomAD exomes 0.00001; ExAC 0.00002; TOPMed 0.00002.
gnomAD v4.1: 21 of 1,607,564 alleles (0.0013%); highest among the groups gnomAD compares: East Asian, 0.0022%; no homozygotes.

Submission:

Labcorp Genetics (formerly Invitae), Labcorp
Classification: Uncertain significance for Short-rib thoracic dysplasia 6 with or without polydactyly. Last evaluated: 2025-04-28. Review status: criteria provided, single submitter. Criteria: Invitae Variant Classification Sherloc (09022015). Collection method: clinical testing. Allele origin: germline.
Comment: This sequence change replaces arginine, which is basic and polar, with histidine, which is basic and polar, at codon 1073 of the NEK1 protein (p.Arg1073His). This variant is present in population databases (rs774285113, gnomAD 0.005%). This variant has not been reported in the literature in individuals affected with NEK1-related conditions. ClinVar contains an entry for this variant (Variation ID: 1967453). Invitae Evidence Modeling of protein sequence and biophysical properties (such as structural, functional, and spatial information, amino acid conservation, physicochemical variation, residue mobility, and thermodynamic stability) indicates that this missense variant is not expected to disrupt NEK1 protein function with a negative predictive value of 80%. In summary, the available evidence is currently insufficient to determine the role of this variant in disease. Therefore, it has been classified as a Variant of Uncertain Significance.